The following is an entry in ClinVar:

NM_007373.4(SHOC2):c.815A>C (p.Glu272Ala)

Gene: SHOC2 (SHOC2 leucine rich repeat scaffold protein; plus strand). Cytogenetic location: 10q25.2.
Variant type: single nucleotide variant.
Coding change: c.815A>C on transcript NM_007373.4 (MANE Select); coding-DNA position 815, A replaced by C.
Protein change: p.Glu272Ala; replaces glutamic acid 272 with alanine.
Molecular consequence: missense variant. On other transcripts: non-coding transcript variant (1), intron variant (1).
Genome position (GRCh38, 1-based): chr10:110,985,739, A>C. VCF-style: chr10-110985739-A-C. GRCh37 (hg19) VCF-style: chr10-112745497-A-C.
Other names: c.815A>C, p.Glu272Ala (NM_001324336.2, NM_001324337.2); c.704-14676A>C (NM_001269039.3); short protein forms E272A.
Identifiers: ClinVar variation 3361679 (VCV003361679.1).

ClinVar aggregate classification (germline): Uncertain significance (1 of 4 stars; one submission).

Submission:

GeneDx
Classification: Uncertain significance. Last evaluated: 2023-07-26. Review status: criteria provided, single submitter. Criteria: GeneDx Variant Classification Process June 2021. Collection method: clinical testing. Allele origin: germline. Affected: yes.
Comment: Not observed at significant frequency in large population cohorts (gnomAD); In silico analysis supports that this missense variant has a deleterious effect on protein structure/function; Has not been previously published as pathogenic or benign to our knowledge; This variant is associated with the following publications: (PMID: 29493581)